The following is an entry in ClinVar:

ClinVar aggregate classification (germline): Uncertain significance (1 of 4 stars; one submission).

Conditions:
Primary dilated cardiomyopathy (DCM). Also called: Dilated Cardiomyopathy. Identifiers: Orphanet 217604, MedGen C0007193, MeSH D002311, MONDO:0005021, HP:0001644. Inheritance: Various modes of inheritance.

Allele frequency attached by ClinVar (database versions not stated): gnomAD exomes below 0.00001.
gnomAD v4.1: 1 of 1,610,628 alleles (0.000062%); highest among the groups gnomAD compares: Non-Finnish European, 0.000085%; no homozygotes.

Submission:

Labcorp Genetics (formerly Invitae), Labcorp
Classification: Uncertain significance for Primary dilated cardiomyopathy. Last evaluated: 2022-11-07. Review status: criteria provided, single submitter. Criteria: Invitae Variant Classification Sherloc (09022015). Collection method: clinical testing. Allele origin: germline.
Comment: In summary, the available evidence is currently insufficient to determine the role of this variant in disease. Therefore, it has been classified as a Variant of Uncertain Significance. Algorithms developed to predict the effect of missense changes on protein structure and function are either unavailable or do not agree on the potential impact of this missense change (SIFT: "Deleterious"; PolyPhen-2: "Probably Damaging"; Align-GVGD: "Class C0"). This variant has not been reported in the literature in individuals affected with NEBL-related conditions. This variant is not present in population databases (gnomAD no frequency). This sequence change replaces alanine, which is neutral and non-polar, with aspartic acid, which is acidic and polar, at codon 726 of the NEBL protein (p.Ala726Asp).

NM_006393.3(NEBL):c.2177C>A (p.Ala726Asp)

Gene: NEBL (nebulette; minus strand). Cytogenetic location: 10p12.31.
Variant type: single nucleotide variant.
Coding change: c.2177C>A on transcript NM_006393.3 (MANE Select); coding-DNA position 2177, C replaced by A.
Protein change: p.Ala726Asp; replaces alanine 726 with aspartic acid.
Molecular consequence: missense variant. On other transcripts: intron variant (9).
Genome position (GRCh38, 1-based): chr10:20,815,689, G>T on the plus strand (C>A on the coding strand, the complement: NEBL is on the minus strand). VCF-style: chr10-20815689-G-T. GRCh37 (hg19) VCF-style: chr10-21104618-G-T.
Other names: c.250-2749C>A (NM_001377326.1, NM_001377327.1, NM_001377328.1); c.358-2749C>A (NM_213569.2, NM_001173484.2, NM_001377322.1); c.301-2749C>A (NM_001377324.1); c.292-2749C>A (NM_001377325.1); c.310-2749C>A (NM_001377323.1); short protein forms A726D.
Identifiers: ClinVar variation 2741707 (VCV002741707.3), dbSNP rs2491628725, ClinGen allele CA376093952.